The following is an entry in ClinVar:

ClinVar aggregate classification (germline): Likely pathogenic (1 of 4 stars; one submission).

Conditions:
X-linked intellectual disability, Cantagrel type (XLID98). Also called: INTELLECTUAL DEVELOPMENTAL DISORDER, X-LINKED 98. Identifiers: Orphanet 85277, MedGen C3806730, MONDO:0010483, OMIM 300912.

Submission:

Institute of Human Genetics, University of Leipzig Medical Center
Classification: Likely pathogenic for X-linked intellectual disability, Cantagrel type. Last evaluated: 2022-01-12. Review status: criteria provided, single submitter. Criteria: ACMG Guidelines, 2015. Collection method: clinical testing. Allele origin: unknown. Affected: yes.
Comment: _x000D_ Criteria applied: PVS1, PM2_SUP

NM_001008537.3(NEXMIF):c.3310G>T (p.Gly1104Ter)

Gene: NEXMIF (neurite extension and migration factor; minus strand). Cytogenetic location: Xq13.3.
Variant type: single nucleotide variant.
Coding change: c.3310G>T on transcript NM_001008537.3 (MANE Select); coding-DNA position 3310, G replaced by T.
Protein change: p.Gly1104Ter; replaces glycine 1104 with a stop codon.
Molecular consequence: nonsense.
Genome position (GRCh38, 1-based): chrX:74,741,247, C>A on the plus strand (G>T on the coding strand, the complement: NEXMIF is on the minus strand). VCF-style: chrX-74741247-C-A. GRCh37 (hg19) VCF-style: chrX-73961082-C-A.
Other names: short protein forms G1104*.
Identifiers: ClinVar variation 1338790 (VCV001338790.1), dbSNP rs2147439567, ClinGen allele CA413666242.
Genomic context (GRCh38, chrX:74,741,247, plus strand): 5'-GGACCTGCCGTGAAAGGGTACTGCAGTCCCACTTGATTTTTTCCACACTGTCCAATGGTC[C>A]TGGGACACCCTCTTGGAACCCCTTTAGTGTTCCTAGTGTCTTCATACTCTCACATCTGGT-3'